The following is an entry in ClinVar:

ClinVar aggregate classification (germline): Conflicting classifications of pathogenicity. Review status: criteria provided, conflicting classifications (1 of 4 stars). 2 submissions from 2 submitters: Uncertain significance (1); Likely benign (1). Last evaluated 2025-12-21.

Allele frequency attached by ClinVar (database versions not stated): gnomAD 0.00003 and 0.00004; TOPMed 0.00003; gnomAD exomes 0.00005; ExAC 0.00007; ESP Exome Variant Server 0.00023.
gnomAD v4.1: 29 of 1,608,684 alleles (0.0018%); highest among the groups gnomAD compares: Middle Eastern, 0.017%; no homozygotes.

Submissions (2):

Labcorp Genetics (formerly Invitae), Labcorp
Classification: Uncertain significance. Last evaluated: 2025-12-21. Review status: criteria provided, single submitter. Criteria: Invitae Variant Classification Sherloc (09022015). Collection method: clinical testing. Allele origin: germline.
Comment: This sequence change replaces arginine, which is basic and polar, with glutamine, which is neutral and polar, at codon 1881 of the CEP250 protein (p.Arg1881Gln). This variant is present in population databases (rs145352934, gnomAD 0.03%). This variant has not been reported in the literature in individuals affected with CEP250-related conditions. ClinVar contains an entry for this variant (Variation ID: 1509974). An algorithm developed to predict the effect of missense changes on protein structure and function outputs the following: PolyPhen-2: "Benign". The glutamine amino acid residue is found in multiple mammalian species, which suggests that this missense change does not adversely affect protein function. In summary, the available evidence is currently insufficient to determine the role of this variant in disease. Therefore, it has been classified as a Variant of Uncertain Significance.

Ambry Genetics
Classification: Likely benign. Last evaluated: 2025-11-03. Review status: criteria provided, single submitter. Criteria: Ambry Variant Classification Scheme 2023. Collection method: clinical testing. Allele origin: germline.

NM_007186.6(CEP250):c.5642G>A (p.Arg1881Gln)

Gene: CEP250 (centrosomal protein 250; plus strand). Cytogenetic location: 20q11.22.
Variant type: single nucleotide variant.
Coding change: c.5642G>A on transcript NM_007186.6 (MANE Select); coding-DNA position 5642, G replaced by A.
Protein change: p.Arg1881Gln; replaces arginine 1881 with glutamine.
Molecular consequence: missense variant.
Genome position (GRCh38, 1-based): chr20:35,504,011, G>A. VCF-style: chr20-35504011-G-A. GRCh37 (hg19) VCF-style: chr20-34091839-G-A.
Other names: c.5642G>A (NM_007186.3); c.3746G>A, p.Arg1249Gln (NM_001318219.1); short protein forms R1881Q, R1249Q.
Identifiers: ClinVar variation 1509974 (VCV001509974.8), dbSNP rs145352934, ClinGen allele CA9833907.